The following is an entry in ClinVar:

ClinVar aggregate classification (germline): Benign/Likely benign. Review status: criteria provided, multiple submitters, no conflicts (2 of 4 stars). 2 submissions from 2 submitters: Benign (1); Likely benign (1). Last evaluated 2026-07-16.

Conditions:
Rhabdoid tumor predisposition syndrome 2 (RTPS2). Identifiers: Orphanet 231108, Orphanet 69077, MedGen C2750074, MONDO:0013224, OMIM 613325.

Allele frequency attached by ClinVar (database versions not stated): TOPMed 0.00001; ExAC 0.00003; gnomAD exomes 0.00002.
gnomAD v4.1: 10 of 1,599,966 alleles (0.00063%); highest among the groups gnomAD compares: Non-Finnish European, 0.00077%; no homozygotes.

Submissions (2):

Myriad Genetics, Inc.
Classification: Benign for Rhabdoid tumor predisposition syndrome 2. Last evaluated: 2026-07-16. Review status: criteria provided, single submitter. Criteria: Myriad Autosomal Dominant, Autosomal Recessive and X-Linked Classification Criteria (2023). Collection method: clinical testing. Allele origin: unknown.
Comment: This variant is considered benign. This variant is intronic and is not expected to impact mRNA splicing. This variant has been observed at a population frequency that is significantly greater than expected given the associated disease prevalence and penetrance.

Labcorp Genetics (formerly Invitae), Labcorp
Classification: Likely benign for Rhabdoid tumor predisposition syndrome 2. Last evaluated: 2025-11-11. Review status: criteria provided, single submitter. Criteria: Invitae Variant Classification Sherloc (09022015). Collection method: clinical testing. Allele origin: germline.

NM_003072.5(SMARCA4):c.4171-16A>G

Gene: SMARCA4 (SWI/SNF related BAF chromatin remodeling complex subunit ATPase 4; plus strand). Cytogenetic location: 19p13.2.
Variant type: single nucleotide variant.
Coding change: c.4171-16A>G on transcript NM_003072.5 (MANE Select); 16 bases into the intron before coding-DNA position 4171, A replaced by G.
Molecular consequence: intron variant.
Genome position (GRCh38, 1-based): chr19:11,041,291, A>G. VCF-style: chr19-11041291-A-G. GRCh37 (hg19) VCF-style: chr19-11151967-A-G.
Other names: c.4171-16A>G (NM_001128844.3); c.4267-16A>G (NM_001128849.3, NM_001387283.1); c.4072-16A>G (NM_001128847.4, NM_001374457.1, NM_001128848.2); c.4072-7A>G (NM_001128845.2, NM_001128846.2).
Identifiers: ClinVar variation 1562860 (VCV001562860.10), dbSNP rs774180867, ClinGen allele CA9204668.